The following is an entry in ClinVar:

ClinVar aggregate classification (germline): Benign. Review status: criteria provided, multiple submitters, no conflicts (2 of 4 stars). 4 submissions from 4 submitters: Benign (4). Last evaluated 2026-01-27.

Conditions:
Hemolytic anemia due to pyrimidine 5' nucleotidase deficiency (CNSHA8). Also called: HEMOLYTIC ANEMIA DUE TO P5N DEFICIENCY; HEMOLYTIC ANEMIA DUE TO UMPH1 DEFICIENCY; P5N DEFICIENCY; PYRIMIDINE 5-PRIME NUCLEOTIDASE DEFICIENCY, HEMOLYTIC ANEMIA DUE TO; UMPH1 DEFICIENCY. Identifiers: Orphanet 35120, MedGen C1849507, MONDO:0009946, OMIM 266120.

Allele frequency attached by ClinVar (database versions not stated): gnomAD exomes 0.00185 and 0.00507; ExAC 0.00635; gnomAD 0.02022 and 0.02171; 1000 Genomes Project 0.02216; TOPMed 0.02323; 1000 Genomes Project 30x 0.02327; ESP Exome Variant Server 0.02532.
gnomAD v4.1: 5,858 of 1,612,370 alleles (0.36%); highest among the groups gnomAD compares: African/African-American, 7%; 192 homozygotes.

Submissions (4):

Labcorp Genetics (formerly Invitae), Labcorp
Classification: Benign. Last evaluated: 2026-01-27. Review status: criteria provided, single submitter. Criteria: Invitae Variant Classification Sherloc (09022015). Collection method: clinical testing. Allele origin: germline.

ARUP Laboratories, Molecular Genetics and Genomics, ARUP Laboratories
Classification: Benign for Hemolytic anemia due to pyrimidine 5' nucleotidase deficiency. Last evaluated: 2025-07-14. Review status: criteria provided, single submitter. Criteria: ARUP Molecular Germline Variant Investigation Process 2024. Collection method: clinical testing. Allele origin: germline.

Mayo Clinic Laboratories, Mayo Clinic
Classification: Benign. Last evaluated: 2022-05-17. Review status: criteria provided, single submitter. Criteria: ACMG Guidelines, 2015. Collection method: clinical testing. Allele origin: germline. Observed: 45 variant alleles.
Comment: BS1, BS2

GeneDx
Classification: Benign. Last evaluated: 2021-06-10. Review status: criteria provided, single submitter. Criteria: GeneDx Variant Classification Process June 2021. Collection method: clinical testing. Allele origin: germline. Affected: yes.

NM_001002010.5(NT5C3A):c.408T>C (p.Thr136=)

Gene: NT5C3A (5'-nucleotidase, cytosolic IIIA; minus strand). Cytogenetic location: 7p14.3.
Variant type: single nucleotide variant.
Coding change: c.408T>C on transcript NM_001002010.5 (MANE Select); coding-DNA position 408, T replaced by C.
Protein change: p.Thr136=; no amino-acid change (threonine 136 retained).
Molecular consequence: synonymous variant.
Genome position (GRCh38, 1-based): chr7:33,021,304, A>G on the plus strand (T>C on the coding strand, the complement: NT5C3A is on the minus strand). VCF-style: chr7-33021304-A-G. GRCh37 (hg19) VCF-style: chr7-33060916-A-G.
Other names: p.Thr136=; c.408T>C (NM_001002010.4); c.306T>C, p.Thr102= (NM_001002009.3, NM_016489.14); c.270T>C, p.Thr90= (NM_001166118.3, NM_001356996.3, NM_001374336.1 and 1 more transcripts); c.309T>C, p.Thr103= (NM_001374335.1); c.408T>C, p.Thr136= (NM_001374338.1); c.207T>C, p.Thr69= (NM_001374339.1).
Identifiers: ClinVar variation 785212 (VCV000785212.25), dbSNP rs72555744, ClinGen allele CA4213440.